The following is an entry in ClinVar:

ClinVar aggregate classification (germline): Benign (1 of 4 stars; one submission).

Conditions:
Warburg micro syndrome 3 (WARBM3). Also called: MICRO SYNDROME 3. Identifiers: Orphanet 2510, MedGen C3280203, MONDO:0013638, OMIM 614222.

Allele frequency attached by ClinVar (database versions not stated): gnomAD exomes 0.00497 and 0.00798; ExAC 0.00526; gnomAD 0.03685 and 0.03936; TOPMed 0.04144; 1000 Genomes Project 0.04393; 1000 Genomes Project 30x 0.04934.
gnomAD v4.1: 7,129 of 455,922 alleles (1.6%); highest among the groups gnomAD compares: African/African-American, 13%; 400 homozygotes.

Submission:

Illumina Laboratory Services, Illumina
Classification: Benign for Warburg micro syndrome 3. Last evaluated: 2018-01-12. Review status: criteria provided, single submitter. Criteria: ICSL Variant Classification Criteria 13 December 2019. Collection method: clinical testing. Allele origin: germline.
Comment: This variant was observed in the ICSL laboratory as part of a predisposition screen in an ostensibly healthy population. It had not been previously curated by ICSL or reported in the Human Gene Mutation Database (HGMD: prior to June 1st, 2018), and was therefore a candidate for classification through an automated scoring system. Utilizing variant allele frequency, disease prevalence and penetrance estimates, and inheritance mode, an automated score was calculated to assess if this variant is too frequent to cause the disease. Based on the score and internal cut-off values, a variant classified as benign is not then subjected to further curation. The score for this variant resulted in a classification of benign for this disease.

NM_021252.5(RAB18):c.*387C>A

Gene: RAB18 (RAB18, member RAS oncogene family; plus strand). Cytogenetic location: 10p12.1.
Variant type: single nucleotide variant.
Coding change: c.*387C>A on transcript NM_021252.5 (MANE Select); 387 bases downstream of the stop codon, C replaced by A.
Molecular consequence: 3 prime UTR variant. On other transcripts: non-coding transcript variant (1).
Genome position (GRCh38, 1-based): chr10:27,538,438, C>A. VCF-style: chr10-27538438-C-A. GRCh37 (hg19) VCF-style: chr10-27827367-C-A.
Other names: c.*387C>A (NM_001256410.2, NM_001256412.2); c.*347C>A (NM_001256411.2).
Identifiers: ClinVar variation 299829 (VCV000299829.5), dbSNP rs12248740, ClinGen allele CA5452466.